The following is an entry in ClinVar:

NM_004614.5(TK2):c.217G>T (p.Ala73Ser)

Gene: TK2 (thymidine kinase 2; minus strand). Cytogenetic location: 16q21.
Variant type: single nucleotide variant.
Coding change: c.217G>T on transcript NM_004614.5 (MANE Select); coding-DNA position 217, G replaced by T.
Protein change: p.Ala73Ser; replaces alanine 73 with serine.
Molecular consequence: missense variant. On other transcripts: 5 prime UTR variant (1), non-coding transcript variant (1), intron variant (1).
Genome position (GRCh38, 1-based): chr16:66,541,893, C>A on the plus strand (G>T on the coding strand, the complement: TK2 is on the minus strand). VCF-style: chr16-66541893-C-A. GRCh37 (hg19) VCF-style: chr16-66575796-C-A.
Other names: c.124G>T, p.Ala42Ser (NM_001172643.1, NM_001271935.1); c.217G>T, p.Ala73Ser (NM_001172645.2); c.70G>T, p.Ala24Ser (NM_001271934.2); c.-75G>T (NM_001272050.2); c.157-4876G>T (NM_001172644.2); short protein forms A24S, A42S, A73S.
Identifiers: ClinVar variation 1349659 (VCV001349659.6), dbSNP rs997780363, ClinGen allele CA396192451.
Genomic context (GRCh38, chr16:66,541,893, plus strand): 5'-CATCAAGCTTTCTCCGCTTCCTTCAAACCTAGCATAGAGGCTGTACCTCGACGTCTGTCG[C>A]GTTGGAGAAGAATTCCAGGCATGTCGTCTTCCCACTTGCAATATTGCCCTCGACACAGAT-3'
Protein context (NP_004605.4, residues 63-83): KTTCLEFFSN[Ala73Ser]TDVEVLTEPV

ClinVar aggregate classification (germline): Uncertain significance (1 of 4 stars; one submission).

gnomAD v4.1: 3 of 1,614,126 alleles (0.00019%); no homozygotes.

Submission:

Labcorp Genetics (formerly Invitae), Labcorp
Classification: Uncertain significance. Last evaluated: 2022-03-02. Review status: criteria provided, single submitter. Criteria: Invitae Variant Classification Sherloc (09022015). Collection method: clinical testing. Allele origin: germline.
Comment: Advanced modeling of protein sequence and biophysical properties (such as structural, functional, and spatial information, amino acid conservation, physicochemical variation, residue mobility, and thermodynamic stability) performed at Invitae indicates that this missense variant is not expected to disrupt TK2 protein function. In summary, the available evidence is currently insufficient to determine the role of this variant in disease. Therefore, it has been classified as a Variant of Uncertain Significance. This variant has not been reported in the literature in individuals affected with TK2-related conditions. This variant is not present in population databases (gnomAD no frequency). This sequence change replaces alanine, which is neutral and non-polar, with serine, which is neutral and polar, at codon 73 of the TK2 protein (p.Ala73Ser).